The following is an entry in ClinVar:

NM_000061.3(BTK):c.1922G>C (p.Arg641Pro)

Gene: BTK (Bruton tyrosine kinase; minus strand). Cytogenetic location: Xq22.1.
Variant type: single nucleotide variant.
Coding change: c.1922G>C on transcript NM_000061.3 (MANE Select); coding-DNA position 1922, G replaced by C.
Protein change: p.Arg641Pro; replaces arginine 641 with proline.
Molecular consequence: missense variant.
Genome position (GRCh38, 1-based): chrX:101,349,943, C>G on the plus strand (G>C on the coding strand, the complement: BTK is on the minus strand). VCF-style: chrX-101349943-C-G. GRCh37 (hg19) VCF-style: chrX-100604931-C-G.
Other names: c.2024G>C, p.Arg675Pro (NM_001287344.2); c.1394G>C, p.Arg465Pro (NM_001287345.2); short protein forms R465P, R641P, R675P.
Identifiers: ClinVar variation 2682294 (VCV002682294.4), dbSNP rs1926220192, ClinGen allele CA413917734.

ClinVar aggregate classification (germline): Likely pathogenic. Review status: criteria provided, multiple submitters, no conflicts (2 of 4 stars). 2 submissions from 2 submitters: Likely pathogenic (2). Last evaluated 2025-09-02.

Conditions:
X-linked agammaglobulinemia (XLA). Also called: Bruton's agammaglobulinemia; AGAMMAGLOBULINEMIA, X-LINKED, TYPE 1; Agammaglobulinemia, Bruton tyrosine kinase; Agammaglobulinemia, BTK; BTK-deficiency; Bruton-type agammaglobulinemia. Identifiers: Orphanet 229717, Orphanet 47, MedGen C0221026, MONDO:0010421, OMIM 300755.
X-linked agammaglobulinemia with growth hormone deficiency (IGHD3). Also called: Isolated growth hormone deficiency type 3; Growth hormone deficiency with hypogammaglobulinemia; AGAMMAGLOBULINEMIA AND ISOLATED GROWTH HORMONE DEFICIENCY, X-LINKED; FLEISHER SYNDROME; HYPOGAMMAGLOBULINEMIA AND ISOLATED GROWTH HORMONE DEFICIENCY, X-LINKED; IGHD III. Identifiers: Orphanet 231692, Orphanet 631, MedGen C0472813, MONDO:0010615, OMIM 307200.

Submissions (2):

Labcorp Genetics (formerly Invitae), Labcorp
Classification: Likely pathogenic for X-linked agammaglobulinemia with growth hormone deficiency. Last evaluated: 2025-09-02. Review status: criteria provided, single submitter. Criteria: Invitae Variant Classification Sherloc (09022015). Collection method: clinical testing. Allele origin: germline.
Comment: This sequence change replaces arginine, which is basic and polar, with proline, which is neutral and non-polar, at codon 641 of the BTK protein (p.Arg641Pro). This variant is not present in population databases (gnomAD no frequency). This variant has not been reported in the literature in individuals affected with BTK-related conditions. ClinVar contains an entry for this variant (Variation ID: 2682294). Invitae Evidence Modeling of protein sequence and biophysical properties (such as structural, functional, and spatial information, amino acid conservation, physicochemical variation, residue mobility, and thermodynamic stability) indicates that this missense variant is expected to disrupt BTK protein function with a positive predictive value of 95%. This variant disrupts the p.Arg341 amino acid residue in BTK. Other variant(s) that disrupt this residue have been determined to be pathogenic (PMID: 7633420, 17765309). This suggests that this residue is clinically significant, and that variants that disrupt this residue are likely to be disease-causing. In summary, the currently available evidence indicates that the variant is pathogenic, but additional data are needed to prove that conclusively. Therefore, this variant has been classified as Likely Pathogenic.

Women's Health and Genetics/Laboratory Corporation of America, LabCorp
Classification: Likely pathogenic for X-linked agammaglobulinemia. Last evaluated: 2023-11-29. Review status: criteria provided, single submitter. Criteria: LabCorp Variant Classification Summary - May 2015. Collection method: clinical testing. Allele origin: germline.
Comment: Variant summary: BTK c.1922G>C (p.Arg641Pro) results in a non-conservative amino acid change located in the protein kinase domain (IPR000719) of the encoded protein sequence. Five of five in-silico tools predict a damaging effect of the variant on protein function. In addition, the variant replaces a residue that is expected to be important for stabilizing the kinase structure (e.g. PMID 11555397), and all possible missense variants (including R641P) caused by SNVs was predicted to be deleterious at this position (Valiaho_2015). The variant was absent in 183174 control chromosomes (gnomAD). To our knowledge, no occurrence of c.1922G>C in individuals affected with X-Linked Agammaglobulinemia (XLA) and no experimental evidence demonstrating its impact on protein function have been reported. However, multiple other missense changes affecting this amino acid (R641C/G/H) have been reported in patients affected with XLA (see e.g. PMIDs 7633429, 10737994, 10737994), indicating that this residue is critical for protein function. No submitters have cited clinical-significance assessments for this variant to ClinVar after 2014. Based on the evidence outlined above, the variant was classified as likely pathogenic.

Literature cited by the submitters: PubMed 7633420 (cited by Labcorp Genetics (formerly Invitae), Labcorp); PubMed 17765309 (cited by Labcorp Genetics (formerly Invitae), Labcorp); PubMed 25777788 (cited by Women's Health and Genetics/Laboratory Corporation of America, LabCorp).